The following is an entry in ClinVar:

NM_000094.4(COL7A1):c.25G>A (p.Ala9Thr)

Gene: COL7A1 (collagen type VII alpha 1 chain; minus strand). Cytogenetic location: 3p21.31.
Variant type: single nucleotide variant.
Coding change: c.25G>A on transcript NM_000094.4 (MANE Select); coding-DNA position 25, G replaced by A.
Protein change: p.Ala9Thr; replaces alanine 9 with threonine.
Molecular consequence: missense variant.
Genome position (GRCh38, 1-based): chr3:48,595,135, C>T on the plus strand (G>A on the coding strand, the complement: COL7A1 is on the minus strand). VCF-style: chr3-48595135-C-T. GRCh37 (hg19) VCF-style: chr3-48632568-C-T.
Other names: short protein forms A9T.
Identifiers: ClinVar variation 2153530 (VCV002153530.3), dbSNP rs982567193, ClinGen allele CA73995108.
Genomic context (GRCh38, chr3:48,595,135, plus strand): 5'-CTCTCTCCCTGTGCTGGGCTCGCACTCGGGGCGCCTCTGCCAGGATCCCGGCGCAGAGCG[C>T]GGCCACCAGAAGCCGCAGCGTCATCCTAGGCAGTAAAAGCCGTCAGCTAGGACCCCCGCC-3'
Protein context (NP_000085.1, residues 1-19): MTLRLLVA[Ala9Thr]LCAGILAEAP

ClinVar aggregate classification (germline): Uncertain significance (1 of 4 stars; one submission).

Allele frequency attached by ClinVar (database versions not stated): gnomAD exomes below 0.00001.
gnomAD v4.1: 4 of 1,553,378 alleles (0.00026%); highest among the groups gnomAD compares: Middle Eastern, 0.017%; no homozygotes.

Submission:

Labcorp Genetics (formerly Invitae), Labcorp
Classification: Uncertain significance. Last evaluated: 2025-07-30. Review status: criteria provided, single submitter. Criteria: Invitae Variant Classification Sherloc (09022015). Collection method: clinical testing. Allele origin: germline.
Comment: This sequence change replaces alanine, which is neutral and non-polar, with threonine, which is neutral and polar, at codon 9 of the COL7A1 protein (p.Ala9Thr). This variant is not present in population databases (gnomAD no frequency). This variant has not been reported in the literature in individuals affected with COL7A1-related conditions. ClinVar contains an entry for this variant (Variation ID: 2153530). Invitae Evidence Modeling of protein sequence and biophysical properties (such as structural, functional, and spatial information, amino acid conservation, physicochemical variation, residue mobility, and thermodynamic stability) indicates that this missense variant is not expected to disrupt COL7A1 protein function with a negative predictive value of 95%. In summary, the available evidence is currently insufficient to determine the role of this variant in disease. Therefore, it has been classified as a Variant of Uncertain Significance.